The following is an entry in ClinVar:

NM_000264.5(PTCH1):c.2071A>G (p.Thr691Ala)

Genes: PTCH1 (patched 1; minus strand), LOC100507346 (uncharacterized LOC100507346; plus strand). Cytogenetic location: 9q22.32.
Variant type: single nucleotide variant.
Coding change: c.2071A>G on transcript NM_000264.5 (MANE Select); coding-DNA position 2071, A replaced by G.
Protein change: p.Thr691Ala; replaces threonine 691 with alanine.
Molecular consequence: missense variant. On other transcripts: non-coding transcript variant (2).
Genome position (GRCh38, 1-based): chr9:95,468,930, T>C on the plus strand (A>G on the coding strand, the complement: PTCH1 is on the minus strand). VCF-style: chr9-95468930-T-C. GRCh37 (hg19) VCF-style: chr9-98231212-T-C.
Other names: c.1873A>G, p.Thr625Ala (NM_001083602.3); c.2068A>G, p.Thr690Ala (NM_001083603.3); c.1618A>G, p.Thr540Ala (NM_001083604.3, NM_001083605.3, NM_001083606.3 and 1 more transcripts); c.1915A>G, p.Thr639Ala (NM_001354918.2); short protein forms T540A, T639A, T690A, T691A, T625A.
Identifiers: ClinVar variation 5027469 (VCV005027469.1).

ClinVar aggregate classification (germline): Uncertain significance (1 of 4 stars; one submission).

Conditions:
Hereditary cancer-predisposing syndrome. Also called: Neoplastic Syndromes, Hereditary; Tumor predisposition; Hereditary neoplastic syndrome; Hereditary Cancer Syndrome. Identifiers: Orphanet 140162, MedGen C0027672, MeSH D009386, MONDO:0015356.

gnomAD v4.1: 1 of 1,613,946 alleles (0.000062%); highest among the groups gnomAD compares: Non-Finnish European, 0.000085%; no homozygotes.

Submission:

Ambry Genetics
Classification: Uncertain significance for Hereditary cancer-predisposing syndrome. Last evaluated: 2026-07-06. Review status: criteria provided, single submitter. Criteria: Ambry Variant Classification Scheme 2023. Collection method: clinical testing. Allele origin: germline.
Comment: The p.T625A variant (also known as c.1873A>G), located in coding exon 14 of the PTCH1 gene, results from an A to G substitution at nucleotide position 1873. The threonine at codon 625 is replaced by alanine, an amino acid with similar properties. This amino acid position is conserved. In addition, this alteration is predicted to be tolerated by in silico analysis. Based on the available evidence, the clinical significance of this variant remains unclear.